The following is an entry in ClinVar:

ClinVar aggregate classification (germline): Likely benign. Review status: criteria provided, single submitter (1 of 4 stars). 2 submissions from 2 submitters: Likely benign (1). 1 of the submissions does not count toward it. Last evaluated 2025-07-15.

Conditions:
PIEZO1-related disorder. Also called: PIEZO1-related condition; PIEZO1-Related Disorders.

Allele frequency attached by ClinVar (database versions not stated): gnomAD exomes below 0.00001 and 0.00001; TOPMed 0.00001; 1000 Genomes Project 30x 0.00031.
gnomAD v4.1: 9 of 1,550,120 alleles (0.00058%); highest among the groups gnomAD compares: East Asian, 0.012%; no homozygotes.

Submissions (2):

Labcorp Genetics (formerly Invitae), Labcorp
Classification: Likely benign. Last evaluated: 2025-07-15. Review status: criteria provided, single submitter. Criteria: Invitae Variant Classification Sherloc (09022015). Collection method: clinical testing. Allele origin: germline.

PreventionGenetics, part of Exact Sciences
Classification: Likely benign for PIEZO1-related condition. Last evaluated: 2024-05-05. Review status: no assertion criteria provided. Collection method: clinical testing. Allele origin: germline. Not counted in ClinVar's aggregate classification.
Comment: This variant is classified as likely benign based on ACMG/AMP sequence variant interpretation guidelines (Richards et al. 2015 PMID: 25741868, with internal and published modifications).

NM_001142864.4(PIEZO1):c.5280G>T (p.Leu1760=)

Gene: PIEZO1 (piezo type mechanosensitive ion channel component 1 (Er blood group); minus strand). Cytogenetic location: 16q24.3.
Variant type: single nucleotide variant.
Coding change: c.5280G>T on transcript NM_001142864.4 (MANE Select); coding-DNA position 5280, G replaced by T.
Protein change: p.Leu1760=; no amino-acid change (leucine 1760 retained).
Molecular consequence: synonymous variant.
Genome position (GRCh38, 1-based): chr16:88,721,661, C>A on the plus strand (G>T on the coding strand, the complement: PIEZO1 is on the minus strand). VCF-style: chr16-88721661-C-A. GRCh37 (hg19) VCF-style: chr16-88788069-C-A.
Identifiers: ClinVar variation 726449 (VCV000726449.6), dbSNP rs375185233, ClinGen allele CA286409603.
Genomic context (GRCh38, chr16:88,721,661, plus strand): 5'-GTCAGTCTTCTCCAGGCCCAGGATGCGGGGCGGGAAGTAGGGCTTGTTCTCGTAGCGCCG[C>A]AGCACCACGTGGCTGTTCCAGGGGAAGAACCCAAACTGGAACAGGTACTTGACGACCACC-3'
Protein context (NP_001136336.2, residues 1750-1770): GFFPWNSHVV[Leu1760=]RRYENKPYFP